The following is an entry in ClinVar:

NM_019892.6(INPP5E):c.1730C>G (p.Pro577Arg)

Gene: INPP5E (inositol polyphosphate-5-phosphatase E; minus strand). Cytogenetic location: 9q34.3.
Variant type: single nucleotide variant.
Coding change: c.1730C>G on transcript NM_019892.6 (MANE Select); coding-DNA position 1730, C replaced by G.
Protein change: p.Pro577Arg; replaces proline 577 with arginine.
Molecular consequence: missense variant.
Genome position (GRCh38, 1-based): chr9:136,430,349, G>C on the plus strand (C>G on the coding strand, the complement: INPP5E is on the minus strand). VCF-style: chr9-136430349-G-C. GRCh37 (hg19) VCF-style: chr9-139324801-G-C.
Other names: c.1727C>G, p.Pro576Arg (NM_001318502.2); short protein forms P577R, P576R.
Identifiers: ClinVar variation 365879 (VCV000365879.46), dbSNP rs147967974, ClinGen allele CA5336675.
Genomic context (GRCh38, chr9:136,430,349, plus strand): 5'-GGCCTCACTTTCACCCGGAAGAGGCCATACACAGGGCGGTGGTCGGACGTCTTGATCCCG[G>C]GGCAGGAAGAGTAGCTCACAGGACAGATGTCACCCTTGTGGCGGCTTCTGTACAAGACGC-3'
Protein context (NP_063945.2, residues 567-587): DICPVSYSSC[Pro577Arg]GIKTSDHRPV

ClinVar aggregate classification (germline): Conflicting classifications of pathogenicity. Review status: criteria provided, conflicting classifications (1 of 4 stars). 6 submissions from 6 submitters: Uncertain significance (2); Benign (2); Likely benign (1). 1 of the submissions does not count toward it. Last evaluated 2026-01-27.

Conditions:
Joubert syndrome 1 (JBTS1). Also called: Cerebellooculorenal syndrome 1; CEREBELLOPARENCHYMAL DISORDER IV. Identifiers: MedGen C4551568, MONDO:0008944, OMIM 213300.
Optic atrophy. Identifiers: MedGen C0029124, MONDO:0003608, HP:0000648.
Joubert syndrome. Also called: Familial aplasia of the vermis; JOUBERT-BOLTSHAUSER SYNDROME. Identifiers: Orphanet 475, MedGen C5979921, MONDO:0018772.

Allele frequency attached by ClinVar (database versions not stated): TOPMed 0.00045; ESP Exome Variant Server 0.00078; gnomAD 0.00380 and 0.00405; gnomAD exomes 0.00470 and 0.00218; 1000 Genomes Project 30x 0.00156; ExAC 0.00158; 1000 Genomes Project 0.00200.

Submissions (6):

Labcorp Genetics (formerly Invitae), Labcorp
Classification: Benign for Joubert syndrome. Last evaluated: 2026-01-27. Review status: criteria provided, single submitter. Criteria: Invitae Variant Classification Sherloc (09022015). Collection method: clinical testing. Allele origin: germline.

Blueprint Genetics
Classification: Likely benign. Last evaluated: 2024-11-23. Review status: criteria provided, single submitter. Criteria: ACMG Guidelines, 2015. Collection method: clinical testing. Allele origin: germline.

CeGaT Center for Human Genetics Tuebingen
Classification: Benign. Last evaluated: 2023-01-01. Review status: criteria provided, single submitter. Criteria: CeGaT Center For Human Genetics Tuebingen Variant Classification Criteria Version 2. Collection method: clinical testing. Allele origin: germline. Affected: yes. Observed: 1 variant allele.
Comment: INPP5E: BS1, BS2

Illumina Laboratory Services, Illumina
Classification: Uncertain significance for Joubert syndrome 1. Last evaluated: 2018-01-12. Review status: criteria provided, single submitter. Criteria: ICSL Variant Classification Criteria 13 December 2019. Collection method: clinical testing. Allele origin: germline.

GeneDx
Classification: Uncertain significance. Last evaluated: 2017-03-29. Review status: criteria provided, single submitter. Criteria: GeneDx Variant Classification (06012015). Collection method: clinical testing. Allele origin: germline. Affected: yes.
Comment: A variant of uncertain significance has been identified in the INPP5E gene. The P577R variant has not been published as a pathogenic variant, nor has it been reported as a benign variant to our knowledge. The P577R variant is observed in 25/9198 (0.3%) alleles from individuals of European background, including one homozygous individual (Lek et al., 2016; 1000 Genomes Consortium et al., 2015; Exome Variant Server). This substitution occurs at a position that is not conserved, and Arginine is observed at this position in evolution. However, the P577R variant is a non-conservative amino acid substitution, which is likely to impact secondary protein structure as these residues differ in polarity, charge, size and/or other properties. In silico analysis predicts this variant is probably damaging to the protein structure/function. Therefore, based on the currently available information, it is unclear whether this variant is a pathogenic variant or a rare benign variant.

Institute of Human Genetics, Univ. Regensburg, Univ. Regensburg
Classification: Uncertain significance for Optic atrophy. Last evaluated: 2023-01-01. Review status: no assertion criteria provided. Criteria: ACMG Guidelines, 2015. Collection method: clinical testing. Allele origin: germline. Affected: yes. Not counted in ClinVar's aggregate classification.